The following is an entry in ClinVar:

ClinVar aggregate classification (germline): Uncertain significance (1 of 4 stars; one submission).

gnomAD v4.1: 4 of 1,612,196 alleles (0.00025%); highest among the groups gnomAD compares: Admixed American, 0.0017%; no homozygotes.

Submission:

Dasa
Classification: Uncertain significance. Last evaluated: 2024-08-16. Review status: criteria provided, single submitter. Criteria: DASA Assertion Criteria. Collection method: clinical testing. Allele origin: germline.
Comment: NM_001046.3(SLC12A2):c.1012A>G (p.Thr338Ala) is a missense variant that results in the substitution of threonine with alanine. This variant is rare in population databases. Computational prediction algorithms are consistent with a deleterious effect. The currently available literature and clinical evidence are not sufficient to establish a definitive association between this variant and the reported condition. Therefore, this variant is classified as a variant of uncertain significance.

NM_001046.3(SLC12A2):c.1012A>G (p.Thr338Ala)

Gene: SLC12A2 (solute carrier family 12 member 2; plus strand). Cytogenetic location: 5q23.3.
Variant type: single nucleotide variant.
Coding change: c.1012A>G on transcript NM_001046.3 (MANE Select); coding-DNA position 1012, A replaced by G.
Protein change: p.Thr338Ala; replaces threonine 338 with alanine.
Molecular consequence: missense variant. On other transcripts: non-coding transcript variant (1).
Genome position (GRCh38, 1-based): chr5:128,114,645, A>G. VCF-style: chr5-128114645-A-G. GRCh37 (hg19) VCF-style: chr5-127450337-A-G.
Other names: c.1012A>G, p.Thr338Ala (NM_001256461.2); short protein forms T338A.
Identifiers: ClinVar variation 4884901 (VCV004884901.2).